The following is an entry in ClinVar:

NM_001035.3(RYR2):c.4320T>C (p.Asn1440=)

Gene: RYR2 (ryanodine receptor 2; plus strand). Cytogenetic location: 1q43.
Variant type: single nucleotide variant.
Coding change: c.4320T>C on transcript NM_001035.3 (MANE Select); coding-DNA position 4320, T replaced by C.
Protein change: p.Asn1440=; no amino-acid change (asparagine 1440 retained).
Molecular consequence: synonymous variant.
Genome position (GRCh38, 1-based): chr1:237,593,520, T>C. VCF-style: chr1-237593520-T-C. GRCh37 (hg19) VCF-style: chr1-237756820-T-C.
Other names: c.4320T>C (NM_001035.2).
Identifiers: ClinVar variation 1131191 (VCV001131191.14), dbSNP rs1675468093, ClinGen allele CA423820148.

ClinVar aggregate classification (germline): Likely benign. Review status: criteria provided, multiple submitters, no conflicts (2 of 4 stars). 4 submissions from 4 submitters: Likely benign (4). Last evaluated 2025-09-14.

Conditions:
Catecholaminergic polymorphic ventricular tachycardia (CVPT). Also called: Catecholamine-induced polymorphic ventricular tachycardia. Identifiers: Orphanet 3286, MedGen C5574922, MONDO:0017990.
Cardiomyopathy (CMYO). Also called: Cardiomyopathies. Identifiers: Orphanet 167848, MedGen C0878544, MONDO:0004994, HP:0001638. Inheritance: Various modes of inheritance.
Cardiovascular phenotype. Identifiers: MedGen CN230736.
Catecholaminergic polymorphic ventricular tachycardia 1. Also called: RYR2-Related Catecholaminergic Polymorphic Ventricular Tachycardia; VENTRICULAR TACHYCARDIA, STRESS-INDUCED POLYMORPHIC 1; VENTRICULAR TACHYCARDIA, CATECHOLAMINERGIC POLYMORPHIC, 1, WITH OR WITHOUT ATRIAL DYSFUNCTION AND/OR DILATED CARDIOMYOPATHY. Identifiers: Orphanet 3286, MedGen C1631597, MONDO:0011484, OMIM 604772.

Allele frequency attached by ClinVar (database versions not stated): TOPMed 0.00001.

Submissions (4):

Labcorp Genetics (formerly Invitae), Labcorp
Classification: Likely benign for Catecholaminergic polymorphic ventricular tachycardia 1. Last evaluated: 2025-09-14. Review status: criteria provided, single submitter. Criteria: Invitae Variant Classification Sherloc (09022015). Collection method: clinical testing. Allele origin: germline.

All of Us Research Program, National Institutes of Health
Classification: Likely benign for Catecholaminergic polymorphic ventricular tachycardia. Last evaluated: 2023-10-02. Review status: criteria provided, single submitter. Criteria: ACMG Guidelines, 2015. Collection method: clinical testing. Allele origin: germline. Inheritance: Autosomal dominant inheritance. Observed: 1 variant allele, 1 heterozygote.
Comment: This study involves interpretation of variants in research participants for the purpose of population health screening. Participant phenotype was not available at the time of variant classification. Additional details can be found in publication PMID: 35346344, PMCID: PMC8962531

Ambry Genetics
Classification: Likely benign for Cardiovascular phenotype. Last evaluated: 2023-09-01. Review status: criteria provided, single submitter. Criteria: Ambry Variant Classification Scheme 2023. Collection method: clinical testing. Allele origin: germline.

Color Diagnostics, LLC DBA Color Health
Classification: Likely benign for Cardiomyopathy. Last evaluated: 2021-03-09. Review status: criteria provided, single submitter. Criteria: ACMG Guidelines, 2015. Collection method: clinical testing. Allele origin: germline.